The following is an entry in ClinVar:

NM_000334.4(SCN4A):c.3898C>G (p.Gln1300Glu)

Genes: GH-LCR (growth hormone locus control region; plus strand), SCN4A (sodium voltage-gated channel alpha subunit 4; minus strand). Cytogenetic location: 17q23.3.
Variant type: single nucleotide variant.
Coding change: c.3898C>G on transcript NM_000334.4 (MANE Select); coding-DNA position 3898, C replaced by G.
Protein change: p.Gln1300Glu; replaces glutamine 1300 with glutamic acid.
Molecular consequence: missense variant.
Genome position (GRCh38, 1-based): chr17:63,944,687, G>C on the plus strand (C>G on the coding strand, the complement: SCN4A is on the minus strand). VCF-style: chr17-63944687-G-C. GRCh37 (hg19) VCF-style: chr17-62022047-G-C.
Other names: short protein forms Q1300E.
Identifiers: ClinVar variation 543797 (VCV000543797.9), dbSNP rs1357732381, ClinGen allele CA400617242.

ClinVar aggregate classification (germline): Uncertain significance (1 of 4 stars; one submission).

Conditions:
Hyperkalemic periodic paralysis. Also called: Gamstorp disease; Familial hyperkalemic periodic paralysis. Identifiers: Orphanet 682, MedGen C0238357, MONDO:0008224, OMIM 170500, HP:0007215.

Allele frequency attached by ClinVar (database versions not stated): gnomAD exomes below 0.00001.

Submission:

Labcorp Genetics (formerly Invitae), Labcorp
Classification: Uncertain significance for Hyperkalemic periodic paralysis. Last evaluated: 2017-11-03. Review status: criteria provided, single submitter. Criteria: Invitae Variant Classification Sherloc (09022015). Collection method: clinical testing. Allele origin: germline.
Comment: In summary, the available evidence is currently insufficient to determine the role of this variant in disease. Therefore, it has been classified as a Variant of Uncertain Significance. Algorithms developed to predict the effect of missense changes on protein structure and function (SIFT, PolyPhen-2, Align-GVGD) all suggest that this variant is likely to be disruptive, but these predictions have not been confirmed by published functional studies and their clinical significance is uncertain. This variant has not been reported in the literature in individuals with SCN4A-related disease. This variant is not present in population databases (ExAC no frequency). This sequence change replaces glutamine with glutamic acid at codon 1300 of the SCN4A protein (p.Gln1300Glu). The glutamine residue is highly conserved and there is a small physicochemical difference between glutamine and glutamic acid.